The following is an entry in ClinVar:

ClinVar aggregate classification (germline): Uncertain significance (1 of 4 stars; one submission).

Submission:

Labcorp Genetics (formerly Invitae), Labcorp
Classification: Uncertain significance. Last evaluated: 2023-02-11. Review status: criteria provided, single submitter. Criteria: Invitae Variant Classification Sherloc (09022015). Collection method: clinical testing. Allele origin: germline.
Comment: This sequence change replaces glutamine, which is neutral and polar, with arginine, which is basic and polar, at codon 225 of the POU4F3 protein (p.Gln225Arg). This variant is not present in population databases (gnomAD no frequency). This variant has not been reported in the literature in individuals affected with POU4F3-related conditions. Advanced modeling of protein sequence and biophysical properties (such as structural, functional, and spatial information, amino acid conservation, physicochemical variation, residue mobility, and thermodynamic stability) performed at Invitae indicates that this missense variant is expected to disrupt POU4F3 protein function. In summary, the available evidence is currently insufficient to determine the role of this variant in disease. Therefore, it has been classified as a Variant of Uncertain Significance.

NM_002700.3(POU4F3):c.674A>G (p.Gln225Arg)

Genes: POU4F3 (POU class 4 homeobox 3; plus strand), RBM27-POU4F3 (RBM27-POU4F3 readthrough; plus strand). Cytogenetic location: 5q32.
Variant type: single nucleotide variant.
Coding change: c.674A>G on transcript NM_002700.3 (MANE Select); coding-DNA position 674, A replaced by G.
Protein change: p.Gln225Arg; replaces glutamine 225 with arginine.
Molecular consequence: missense variant. On other transcripts: 3 prime UTR variant (1).
Genome position (GRCh38, 1-based): chr5:146,340,101, A>G. VCF-style: chr5-146340101-A-G. GRCh37 (hg19) VCF-style: chr5-145719664-A-G.
Other names: c.*543A>G (NM_001414499.1); short protein forms Q225R.
Identifiers: ClinVar variation 2836454 (VCV002836454.3), dbSNP rs2479693501, ClinGen allele CA361621814.
Genomic context (GRCh38, chr5:146,340,101, plus strand): 5'-AGGCGGACGTGGGCGCGGCTCTGGCTAATCTCAAGATCCCCGGCGTGGGCTCGCTGAGCC[A>G]AAGCACCATCTGCAGGTTCGAGTCTCTCACTCTCTCGCACAACAACATGATCGCTCTCAA-3'
Protein context (NP_002691.1, residues 215-235): LKIPGVGSLS[Gln225Arg]STICRFESLT